The following is an entry in ClinVar:

NM_000074.3(CD40LG):c.756del (p.Phe253fs)

Gene: CD40LG (CD40 ligand; plus strand). Cytogenetic location: Xq26.3.
Variant type: Deletion.
Coding change: c.756del on transcript NM_000074.3 (MANE Select); coding-DNA position 756, one base deleted (C; older notation c.756delC).
Protein change: p.Phe253fs; shifts the reading frame from phenylalanine 253.
Molecular consequence: frameshift variant.
Genome position (GRCh38, 1-based): chrX:136,659,385, C deleted. VCF-style (leftmost placement, unchanged base first): chrX-136659384-GC-G. GRCh37 (hg19) VCF-style: chrX-135741543-GC-G.
Other names: short protein forms F253fs.
Identifiers: ClinVar variation 2054209 (VCV002054209.4), dbSNP rs2522118648, ClinGen allele CA2580101588.
Genomic context (GRCh38, chrX:136,659,384, plus strand): 5'-AACCAGGTGCTTCGGTGTTTGTCAATGTGACTGATCCAAGCCAAGTGAGCCATGGCACTG[GC>G]TTCACGTCCTTTGGCTTACTCAAACTCTGAACAGTGTCACCTTGCAGGCTGTGGTGGAGC-3'

ClinVar aggregate classification (germline): Pathogenic (1 of 4 stars; one submission).

Conditions:
Hyper-IgM syndrome type 1. Also called: Hyper-IgM Immunodeficiency Syndrome, Type 1; X-linked hyper-IgM syndrome; CD40 Ligand Deficiency; Immunodeficiency, X-linked, with hyper-IgM. Identifiers: Orphanet 101088, MedGen C0398689, MONDO:0010626, OMIM 308230.

Submission:

Labcorp Genetics (formerly Invitae), Labcorp
Classification: Pathogenic for Hyper-IgM syndrome type 1. Last evaluated: 2022-03-22. Review status: criteria provided, single submitter. Criteria: Invitae Variant Classification Sherloc (09022015). Collection method: clinical testing. Allele origin: germline.
Comment: This sequence change results in a frameshift in the CD40LG gene (p.Phe253Serfs*60). While this is not anticipated to result in nonsense mediated decay, it is expected to disrupt the last 9 amino acid(s) of the CD40LG protein and extend the protein by 50 additional amino acid residues. For these reasons, this variant has been classified as Pathogenic. This variant disrupts a region of the CD40LG protein in which other variant(s) (p.Gly257Asp) have been determined to be pathogenic (PMID: 10366125; Invitae). This suggests that this is a clinically significant region of the protein, and that variants that disrupt it are likely to be disease-causing. This variant has not been reported in the literature in individuals affected with CD40LG-related conditions. This variant is not present in population databases (gnomAD no frequency).

Literature cited by the submitters: PubMed 10366125.